The following is an entry in ClinVar:

ClinVar aggregate classification (germline): Likely benign (1 of 4 stars; one submission).

Allele frequency attached by ClinVar (database versions not stated): 1000 Genomes Project 0.01837; 1000 Genomes Project 30x 0.01921; TOPMed 0.02656; gnomAD 0.02730 and 0.02748.
gnomAD v4.1: 4,152 of 148,644 alleles (2.8%); highest among the groups gnomAD compares: South Asian, 4.6%; 66 homozygotes.

Submission:

GeneDx
Classification: Likely benign. Last evaluated: 2018-06-15. Review status: criteria provided, single submitter. Criteria: GeneDx Variant Classification (06012015). Collection method: clinical testing. Allele origin: germline. Affected: yes.
Comment: This variant is considered likely benign or benign based on one or more of the following criteria: it is a conservative change, it occurs at a poorly conserved position in the protein, it is predicted to be benign by multiple in silico algorithms, and/or has population frequency not consistent with disease.

NM_000551.4(VHL):c.341-216C>T

Genes: VHL (von Hippel-Lindau tumor suppressor; plus strand), LOC107303340 (3p25 von Hippel-Lindau tumor suppressor, E3 ubiquitin protein ligase Alu-mediated recombination region; plus strand). Cytogenetic location: 3p25.3.
Variant type: single nucleotide variant.
Coding change: c.341-216C>T on transcript NM_000551.4 (MANE Select); 216 bases into the intron before coding-DNA position 341, C replaced by T.
Molecular consequence: intron variant.
Genome position (GRCh38, 1-based): chr3:10,146,298, C>T. VCF-style: chr3-10146298-C-T. GRCh37 (hg19) VCF-style: chr3-10187982-C-T.
Other names: c.*17+3277C>T (NM_001354723.2); c.341-3489C>T (NM_198156.3).
Identifiers: ClinVar variation 677242 (VCV000677242.1), dbSNP rs143057620, ClinGen allele CA11436520.